The following is an entry in ClinVar:

ClinVar aggregate classification (germline): Uncertain significance (1 of 4 stars; one submission).

Submission:

Labcorp Genetics (formerly Invitae), Labcorp
Classification: Uncertain significance. Last evaluated: 2024-05-08. Review status: criteria provided, single submitter. Criteria: Invitae Variant Classification Sherloc (09022015). Collection method: clinical testing. Allele origin: germline.
Comment: This sequence change creates a premature translational stop signal (p.Arg686Profs*2) in the C1S gene. While this is not anticipated to result in nonsense mediated decay, it is expected to disrupt the last 3 amino acid(s) of the C1S protein. This variant is not present in population databases (gnomAD no frequency). This variant has not been reported in the literature in individuals affected with C1S-related conditions. ClinVar contains an entry for this variant (Variation ID: 1392152). Experimental studies and prediction algorithms are not available or were not evaluated, and the functional significance of this variant is currently unknown. In summary, the available evidence is currently insufficient to determine the role of this variant in disease. Therefore, it has been classified as a Variant of Uncertain Significance.

NM_001734.5(C1S):c.2056dup (p.Arg686fs)

Gene: C1S (complement C1s; plus strand). Cytogenetic location: 12p13.31.
Variant type: Duplication.
Coding change: c.2056dup on transcript NM_001734.5 (MANE Select); coding-DNA position 2056, one base duplicated (C; older notation c.2056dupC).
Protein change: p.Arg686fs; shifts the reading frame from arginine 686.
Molecular consequence: frameshift variant.
Genome position (GRCh38, 1-based): chr12:7,070,640, C duplicated; the last of 6 consecutive C bases (chr12:7,070,635-7,070,640); duplicating any one gives the same sequence. VCF-style (leftmost placement, unchanged base first): chr12-7070634-A-AC. GRCh37 (hg19) VCF-style: chr12-7177938-A-AC.
Other names: c.1555dup, p.Arg519fs (NM_001346850.2); c.2056dup, p.Arg686fs (NM_201442.4); short protein forms R686fs, R519fs.
Identifiers: ClinVar variation 1392152 (VCV001392152.8), dbSNP rs1565625392, ClinGen allele CA478186677.